The following is an entry in ClinVar:

ClinVar aggregate classification (germline): Benign/Likely benign. Review status: criteria provided, multiple submitters, no conflicts (2 of 4 stars). 8 submissions from 8 submitters: Benign (2); Likely benign (3). 3 of the submissions do not count toward it. Last evaluated 2026-01-02.

Conditions:
Renal tubular dysgenesis. Also called: Renotubular dysgenesis. Identifiers: Orphanet 3033, MedGen C0266313, MONDO:0017609, HP:0008660.
ACE-related disorder. Also called: ACE-related condition; ACE-related disorders.
Renal tubular dysgenesis of genetic origin. Also called: PRIMITIVE RENAL TUBULE SYNDROME. Identifiers: Orphanet 97369, MedGen C5681536, MONDO:0009970, OMIM 267430.

Allele frequency attached by ClinVar (database versions not stated): 1000 Genomes Project 30x 0.00281; 1000 Genomes Project 0.00339; gnomAD exomes 0.00397 and 0.00685; gnomAD 0.00412 and 0.00420; TOPMed 0.00419; ExAC 0.00435; ESP Exome Variant Server 0.00577.
gnomAD v4.1: 10,573 of 1,614,018 alleles (0.66%); highest among the groups gnomAD compares: Non-Finnish European, 0.81%; 55 homozygotes.

Submissions (8):

Labcorp Genetics (formerly Invitae), Labcorp
Classification: Benign. Last evaluated: 2026-01-02. Review status: criteria provided, single submitter. Criteria: Invitae Variant Classification Sherloc (09022015). Collection method: clinical testing. Allele origin: germline.

Mayo Clinic Laboratories, Mayo Clinic
Classification: Benign. Last evaluated: 2025-01-21. Review status: criteria provided, single submitter. Criteria: ACMG Guidelines, 2015. Collection method: clinical testing. Allele origin: germline. Observed: 1 variant allele.
Comment: BS1, BS2, BP4

CeGaT Center for Human Genetics Tuebingen
Classification: Likely benign. Last evaluated: 2025-01-01. Review status: criteria provided, single submitter. Criteria: CeGaT Center For Human Genetics Tuebingen Variant Classification Criteria Version 2. Collection method: clinical testing. Allele origin: germline. Affected: yes. Observed: 3 variant alleles.
Comment: ACE: BP4, BS2

Department of Pathology and Laboratory Medicine, Sinai Health System
Classification: Likely benign for renal tubular dysgenesis of genetic origin. Last evaluated: 2021-12-09. Review status: criteria provided, single submitter. Criteria: ACMG Guidelines, 2015. Collection method: research. Allele origin: germline.

Illumina Laboratory Services, Illumina
Classification: Likely benign for Renal tubular dysgenesis of genetic origin. Last evaluated: 2018-01-12. Review status: criteria provided, single submitter. Criteria: ICSL Variant Classification Criteria 13 December 2019. Collection method: clinical testing. Allele origin: germline.
Comment: This variant was observed in the ICSL laboratory as part of a predisposition screen in an ostensibly healthy population. It had not been previously curated by ICSL or reported in the Human Gene Mutation Database (HGMD: prior to June 1st, 2018), and was therefore a candidate for classification through an automated scoring system. Utilizing variant allele frequency, disease prevalence and penetrance estimates, and inheritance mode, an automated score was calculated to assess if this variant is too frequent to cause the disease. Based on the score and internal cut-off values, a variant classified as likely benign is not then subjected to further curation. The score for this variant resulted in a classification of likely benign for this disease.

PreventionGenetics, part of Exact Sciences
Classification: Likely benign for ACE-related condition. Last evaluated: 2020-01-09. Review status: no assertion criteria provided. Collection method: clinical testing. Allele origin: germline. Not counted in ClinVar's aggregate classification.
Comment: This variant is classified as likely benign based on ACMG/AMP sequence variant interpretation guidelines (Richards et al. 2015 PMID: 25741868, with internal and published modifications).

Clinical Genetics DNA and cytogenetics Diagnostics Lab, Erasmus MC, Erasmus Medical Center
Classification: Likely benign. Review status: no assertion criteria provided. Collection method: clinical testing. Allele origin: germline. Affected: yes. Study: VKGL Data-share Consensus. Not counted in ClinVar's aggregate classification.

Laboratory of Diagnostic Genome Analysis, Leiden University Medical Center (LUMC)
Classification: Likely benign. Review status: no assertion criteria provided. Collection method: clinical testing. Allele origin: germline. Affected: yes. Study: VKGL Data-share Consensus. Not counted in ClinVar's aggregate classification.

NM_000789.4(ACE):c.2747C>T (p.Thr916Met)

Gene: ACE (angiotensin I converting enzyme; plus strand). Cytogenetic location: 17q23.3.
Variant type: single nucleotide variant.
Coding change: c.2747C>T on transcript NM_000789.4 (MANE Select); coding-DNA position 2747, C replaced by T.
Protein change: p.Thr916Met; replaces threonine 916 with methionine.
Molecular consequence: missense variant.
Genome position (GRCh38, 1-based): chr17:63,491,216, C>T. VCF-style: chr17-63491216-C-T. GRCh37 (hg19) VCF-style: chr17-61568577-C-T.
Other names: p.Thr916Met; c.1025C>T, p.Thr342Met (NM_001178057.2, NM_152830.3); short protein forms T342M, T916M.
Identifiers: ClinVar variation 770448 (VCV000770448.42), dbSNP rs3730043, ClinGen allele CA8700253.
Genomic context (GRCh38, chr17:63,491,216, plus strand): 5'-ACGCAGTCTGTCCCCGGAACCCCCAGTTTGGGCAGAACTCCCTCTGCTTGCAGGGCTGGA[C>T]GCCCAGGAGGATGTTTAAGGAGGCTGATGATTTCTTCACCTCCCTGGGGCTGCTGCCCGT-3'
Protein context (NP_000780.1, residues 906-926): TTEAMLKQGW[Thr916Met]PRRMFKEADD